The following is an entry in ClinVar:

NM_017827.4(SARS2):c.184C>T (p.Arg62Trp)

Genes: SARS2 (seryl-tRNA synthetase 2, mitochondrial; minus strand), LOC130064387 (ATAC-STARR-seq lymphoblastoid active region 14604; plus strand). Cytogenetic location: 19q13.2.
Variant type: single nucleotide variant.
Coding change: c.184C>T on transcript NM_017827.4 (MANE Select); coding-DNA position 184, C replaced by T.
Protein change: p.Arg62Trp; replaces arginine 62 with tryptophan.
Molecular consequence: missense variant.
Genome position (GRCh38, 1-based): chr19:38,930,553, G>A on the plus strand (C>T on the coding strand, the complement: SARS2 is on the minus strand). VCF-style: chr19-38930553-G-A. GRCh37 (hg19) VCF-style: chr19-39421193-G-A.
Other names: c.184C>T, p.Arg62Trp (NM_001145901.2); short protein forms R62W.
Identifiers: ClinVar variation 5018459 (VCV005018459.1).

ClinVar aggregate classification (germline): Uncertain significance (1 of 4 stars; one submission).

gnomAD v4.1: 137 of 1,613,680 alleles (0.0085%); highest among the groups gnomAD compares: Non-Finnish European, 0.011%; no homozygotes.

Submission:

GeneDx
Classification: Uncertain significance. Last evaluated: 2026-04-02. Review status: criteria provided, single submitter. Criteria: GeneDx Variant Classification Process June 2021. Collection method: clinical testing. Allele origin: germline.
Comment: In silico analysis suggests that this missense variant does not alter protein structure/function; Has not been previously published as pathogenic or benign to our knowledge